The following is an entry in ClinVar:

NM_004301.5(ACTL6A):c.644T>C (p.Ile215Thr)

Gene: ACTL6A (actin like 6A; plus strand). Cytogenetic location: 3q26.33.
Variant type: single nucleotide variant.
Coding change: c.644T>C on transcript NM_004301.5 (MANE Select); coding-DNA position 644, T replaced by C.
Protein change: p.Ile215Thr; replaces isoleucine 215 with threonine.
Molecular consequence: missense variant.
Genome position (GRCh38, 1-based): chr3:179,576,692, T>C. VCF-style: chr3-179576692-T-C. GRCh37 (hg19) VCF-style: chr3-179294480-T-C.
Other names: c.518T>C, p.Ile173Thr (NM_177989.4, NM_178042.4); short protein forms I173T, I215T.
Identifiers: ClinVar variation 1703446 (VCV001703446.3), dbSNP rs2474127978, ClinGen allele CA355270501.

ClinVar aggregate classification (germline): Uncertain significance (1 of 4 stars; one submission).

Submission:

GeneDx
Classification: Uncertain significance. Last evaluated: 2026-04-04. Review status: criteria provided, single submitter. Criteria: GeneDx Variant Classification Process June 2021. Collection method: clinical testing. Allele origin: germline.
Comment: Not observed at significant frequency in large population cohorts (gnomAD); In silico analysis supports that this missense variant has a deleterious effect on protein structure/function; Has not been previously published as pathogenic or benign to our knowledge